The following is an entry in ClinVar:

NM_001122681.2(SH3BP2):c.1273A>G (p.Ser425Gly)

Gene: SH3BP2 (SH3 domain binding protein 2; plus strand). Cytogenetic location: 4p16.3.
Variant type: single nucleotide variant.
Coding change: c.1273A>G on transcript NM_001122681.2 (MANE Select); coding-DNA position 1273, A replaced by G.
Protein change: p.Ser425Gly; replaces serine 425 with glycine.
Molecular consequence: missense variant.
Genome position (GRCh38, 1-based): chr4:2,831,602, A>G. VCF-style: chr4-2831602-A-G. GRCh37 (hg19) VCF-style: chr4-2833329-A-G.
Other names: c.1357A>G, p.Ser453Gly (NM_001145855.2); c.1444A>G, p.Ser482Gly (NM_001145856.2); c.1273A>G, p.Ser425Gly (NM_003023.4); short protein forms S482G, S425G, S453G.
Identifiers: ClinVar variation 3648915 (VCV003648915.2).

ClinVar aggregate classification (germline): Uncertain significance (1 of 4 stars; one submission).

Conditions:
Fibrous dysplasia of jaw (CRBM). Also called: Cherubism. Identifiers: Orphanet 184, MedGen C0008029, MONDO:0007315, OMIM 118400.

Submission:

Labcorp Genetics (formerly Invitae), Labcorp
Classification: Uncertain significance for Fibrous dysplasia of jaw. Last evaluated: 2024-04-05. Review status: criteria provided, single submitter. Criteria: Invitae Variant Classification Sherloc (09022015). Collection method: clinical testing. Allele origin: germline.
Comment: This sequence change replaces serine, which is neutral and polar, with glycine, which is neutral and non-polar, at codon 425 of the SH3BP2 protein (p.Ser425Gly). This variant is not present in population databases (gnomAD no frequency). This variant has not been reported in the literature in individuals affected with SH3BP2-related conditions. Advanced modeling of protein sequence and biophysical properties (such as structural, functional, and spatial information, amino acid conservation, physicochemical variation, residue mobility, and thermodynamic stability) performed at Invitae indicates that this missense variant is not expected to disrupt SH3BP2 protein function with a negative predictive value of 80%. In summary, the available evidence is currently insufficient to determine the role of this variant in disease. Therefore, it has been classified as a Variant of Uncertain Significance.